The following is an entry in ClinVar:

ClinVar aggregate classification (germline): Uncertain significance (1 of 4 stars; one submission).

Conditions:
Charcot-Marie-Tooth disease type 2. Also called: Charcot-Marie-Tooth type 2. Identifiers: Orphanet 64746, MedGen C0270914, MONDO:0018993.

Submission:

Labcorp Genetics (formerly Invitae), Labcorp
Classification: Uncertain significance for Charcot-Marie-Tooth disease type 2. Last evaluated: 2022-10-19. Review status: criteria provided, single submitter. Criteria: Invitae Variant Classification Sherloc (09022015). Collection method: clinical testing. Allele origin: unknown.
Comment: In summary, the available evidence is currently insufficient to determine the role of this variant in disease. Therefore, it has been classified as a Variant of Uncertain Significance. Experimental studies and prediction algorithms are not available or were not evaluated, and the functional significance of this variant is currently unknown. This variant has not been reported in the literature in individuals affected with BSCL2-related conditions. This variant results in a copy number gain of the genomic region encompassing exon(s) 3-11 of the BSCL2 gene. This region includes the termination codon of the gene. This copy number gain extends beyond the assayed region for this gene and therefore may encompass additional genes. As the precise location of this event is unknown, it may be in tandem or it may be located elsewhere in the genome.

NC_000011.9:g.(?_62439218)_(62470041_?)dup

Genes: BSCL2 (BSCL2 lipid droplet biogenesis associated, seipin; minus strand), LBHD1 (LBH domain containing 1; minus strand), LRRN4CL (LRRN4 C-terminal like; minus strand), UBXN1 (UBX domain protein 1; minus strand), UQCC3 (ubiquinol-cytochrome c reductase complex assembly factor 3; plus strand). Cytogenetic location: 11q12.3.
Variant type: Duplication.
Identifiers: ClinVar variation 3244693 (VCV003244693.1).